The following is an entry in ClinVar:

NM_001347721.2(DYRK1A):c.1509G>A (p.Ser503=)

Gene: DYRK1A (dual specificity tyrosine phosphorylation regulated kinase 1A; plus strand). Cytogenetic location: 21q22.13.
Variant type: single nucleotide variant.
Coding change: c.1509G>A on transcript NM_001347721.2 (MANE Select); coding-DNA position 1509, G replaced by A.
Protein change: p.Ser503=; no amino-acid change (serine 503 retained).
Molecular consequence: synonymous variant.
Genome position (GRCh38, 1-based): chr21:37,505,579, G>A. VCF-style: chr21-37505579-G-A. GRCh37 (hg19) VCF-style: chr21-38877882-G-A.
Other names: c.1509G>A, p.Ser503= (NM_001347722.2, NM_130436.2); c.1422G>A, p.Ser474= (NM_001347723.2); c.1536G>A, p.Ser512= (NM_001396.5, NM_101395.2, NM_130438.2).
Identifiers: ClinVar variation 210892 (VCV000210892.35), dbSNP rs763907769, ClinGen allele CA278553.

ClinVar aggregate classification (germline): Conflicting classifications of pathogenicity. Review status: criteria provided, conflicting classifications (1 of 4 stars). 4 submissions from 4 submitters: Uncertain significance (1); Likely benign (3). Last evaluated 2025-10-03.

Conditions:
DYRK1A-related intellectual disability syndrome (MRD7). Also called: DYRK1A Syndrome; Intellectual developmental disorder, autosomal dominant 7. Identifiers: Orphanet 464306, MedGen C5568143, MONDO:0013578, OMIM 614104.

Allele frequency attached by ClinVar (database versions not stated): gnomAD 0.00004 and 0.00005; TOPMed 0.00004.
gnomAD v4.1: 53 of 1,602,984 alleles (0.0033%); highest among the groups gnomAD compares: Admixed American, 0.005%; no homozygotes.

Submissions (4):

Labcorp Genetics (formerly Invitae), Labcorp
Classification: Likely benign for DYRK1A-related intellectual disability syndrome. Last evaluated: 2025-10-03. Review status: criteria provided, single submitter. Criteria: Invitae Variant Classification Sherloc (09022015). Collection method: clinical testing. Allele origin: germline.

Blueprint Genetics
Classification: Likely benign. Last evaluated: 2024-11-19. Review status: criteria provided, single submitter. Criteria: ACMG Guidelines, 2015. Collection method: clinical testing. Allele origin: germline.

CeGaT Center for Human Genetics Tuebingen
Classification: Likely benign. Last evaluated: 2024-02-01. Review status: criteria provided, single submitter. Criteria: CeGaT Center For Human Genetics Tuebingen Variant Classification Criteria Version 2. Collection method: clinical testing. Allele origin: germline. Affected: yes. Observed: 1 variant allele.
Comment: DYRK1A: BP4, BP7

Genetic Services Laboratory, University of Chicago
Classification: Uncertain significance. Last evaluated: 2014-12-01. Review status: criteria provided, single submitter. Criteria: ACMG Guidelines, 2015. Collection method: clinical testing. Allele origin: germline.